The following is an entry in ClinVar:

NM_001148.6(ANK2):c.1647A>G (p.Leu549=)

Gene: ANK2 (ankyrin 2; plus strand). Cytogenetic location: 4q26.
Variant type: single nucleotide variant.
Coding change: c.1647A>G on transcript NM_001148.6 (MANE Select); coding-DNA position 1647, A replaced by G.
Protein change: p.Leu549=; no amino-acid change (leucine 549 retained).
Molecular consequence: synonymous variant.
Genome position (GRCh38, 1-based): chr4:113,274,613, A>G. VCF-style: chr4-113274613-A-G. GRCh37 (hg19) VCF-style: chr4-114195769-A-G.
Other names: c.1584A>G, p.Leu528= (NM_001127493.3, NM_001354239.2, NM_001354243.2 and 14 more transcripts); c.1647A>G, p.Leu549= (NM_001354225.2, NM_001354228.2, NM_001354232.2 and 8 more transcripts); c.1692A>G, p.Leu564= (NM_001354230.2, NM_001354231.2, NM_001354237.2 and 5 more transcripts); c.1560A>G, p.Leu520= (NM_001354249.2, NM_001354260.2, NM_001354264.2 and 13 more transcripts); c.1605A>G, p.Leu535= (NM_001354261.2, NM_001386147.1, NM_001386160.1); c.1437A>G, p.Leu479= (NM_001354269.3); c.1449A>G, p.Leu483= (NM_001354273.2); c.1362A>G, p.Leu454= (NM_001354277.2, NM_001386157.1, NM_001386158.1); and 4 more.
Identifiers: ClinVar variation 513206 (VCV000513206.12), dbSNP rs186150414, ClinGen allele CA103781312.
Genomic context (GRCh38, chr4:113,274,613, plus strand): 5'-TGGGTACACACCACTGCACATCTCTGCCCGGGAGGGCCAGGTGGATGTGGCATCAGTCCT[A>G]TTGGAAGCAGGAGCAGCCCACTCCTTAGCTACCAAGGTAAGGAGAATGACATCATGAGAA-3'
Protein context (NP_001139.3, residues 539-559): REGQVDVASV[Leu549=]LEAGAAHSLA

ClinVar aggregate classification (germline): Likely benign. Review status: criteria provided, multiple submitters, no conflicts (2 of 4 stars). 3 submissions from 3 submitters: Likely benign (3). Last evaluated 2023-07-25.

Conditions:
Long QT syndrome (LQTS). Identifiers: MedGen C0023976, MeSH D008133, MONDO:0002442. Disease mechanism: loss of function. Inheritance: Various modes of inheritance.
Cardiovascular phenotype. Identifiers: MedGen CN230736.

Allele frequency attached by ClinVar (database versions not stated): gnomAD 0.00001 and 0.00002; gnomAD exomes 0.00001 and 0.00002; TOPMed 0.00006; 1000 Genomes Project 30x 0.00016; 1000 Genomes Project 0.00020.
gnomAD v4.1: 11 of 1,614,192 alleles (0.00068%); highest among the groups gnomAD compares: East Asian, 0.022%; no homozygotes.

Submissions (3):

Labcorp Genetics (formerly Invitae), Labcorp
Classification: Likely benign for Long QT syndrome. Last evaluated: 2023-07-25. Review status: criteria provided, single submitter. Criteria: Invitae Variant Classification Sherloc (09022015). Collection method: clinical testing. Allele origin: germline.

GeneDx
Classification: Likely benign. Last evaluated: 2017-11-09. Review status: criteria provided, single submitter. Criteria: GeneDx Variant Classification (06012015). Collection method: clinical testing. Allele origin: germline. Affected: yes.
Comment: This variant is considered likely benign or benign based on one or more of the following criteria: it is a conservative change, it occurs at a poorly conserved position in the protein, it is predicted to be benign by multiple in silico algorithms, and/or has population frequency not consistent with disease.

Ambry Genetics
Classification: Likely benign for Cardiovascular phenotype. Last evaluated: 2017-07-26. Review status: criteria provided, single submitter. Criteria: Ambry Variant Classification Scheme 2023. Collection method: clinical testing. Allele origin: germline.